The following is an entry in ClinVar:

NM_000152.5(GAA):c.1519dup (p.His507fs)

Gene: GAA (alpha glucosidase; plus strand). Cytogenetic location: 17q25.3.
Variant type: Duplication.
Coding change: c.1519dup on transcript NM_000152.5 (MANE Select); coding-DNA position 1519, one base duplicated (C; older notation c.1519dupC).
Protein change: p.His507fs; shifts the reading frame from histidine 507.
Molecular consequence: frameshift variant.
Genome position (GRCh38, 1-based): chr17:80,110,808, C duplicated; the last of 2 consecutive C bases (chr17:80,110,807-80,110,808); duplicating either gives the same sequence. VCF-style (leftmost placement, unchanged base first): chr17-80110806-T-TC. GRCh37 (hg19) VCF-style: chr17-78084605-T-TC.
Other names: c.1519dup, p.His507fs (NM_001079803.3, NM_001079804.3); short protein forms H507fs.
Identifiers: ClinVar variation 947139 (VCV000947139.8), dbSNP rs2039216097, ClinGen allele CA1139665922.
Genomic context (GRCh38, chr17:80,110,806, plus strand): 5'-CCTTCCCCGACTTCACCAACCCCACAGCCCTGGCCTGGTGGGAGGACATGGTGGCTGAGT[T>TC]CCATGACCAGGTGCCCTTCGACGGCATGTGGATTGTAAGTGTGGCCCCCTCCTGAGCATC-3'

ClinVar aggregate classification (germline): Pathogenic (1 of 4 stars; one submission).

Conditions:
Glycogen storage disease, type II (IOPD). Also called: Glycogen storage disease type 2; Acid maltase deficiency disease; Aglucosidase alfa; Deficiency of alpha-glucosidase; Deficiency of lysosomal alpha-glucosidase; ACID MALTASE DEFICIENCY, INFANTILE-ONSET. Identifiers: Orphanet 365, MedGen C0017921, MONDO:0009290, OMIM 232300.

Submission:

Labcorp Genetics (formerly Invitae), Labcorp
Classification: Pathogenic for Glycogen storage disease, type II. Last evaluated: 2019-04-26. Review status: criteria provided, single submitter. Criteria: Invitae Variant Classification Sherloc (09022015). Collection method: clinical testing. Allele origin: germline.
Comment: For these reasons, this variant has been classified as Pathogenic. Loss-of-function variants in GAA are known to be pathogenic (PMID: 18425781, 22252923). This variant has not been reported in the literature in individuals with GAA-related conditions. This variant is not present in population databases (ExAC no frequency). This sequence change creates a premature translational stop signal (p.His507Profs*2) in the GAA gene. It is expected to result in an absent or disrupted protein product.

Literature cited by the submitters: PubMed 18425781; PubMed 22252923.